The following is an entry in ClinVar:

NM_000143.4(FH):c.959C>T (p.Ala320Val)

Gene: FH (fumarate hydratase; minus strand). Cytogenetic location: 1q43.
Variant type: single nucleotide variant.
Coding change: c.959C>T on transcript NM_000143.4 (MANE Select); coding-DNA position 959, C replaced by T.
Protein change: p.Ala320Val; replaces alanine 320 with valine.
Molecular consequence: missense variant.
Genome position (GRCh38, 1-based): chr1:241,504,191, G>A on the plus strand (C>T on the coding strand, the complement: FH is on the minus strand). VCF-style: chr1-241504191-G-A. GRCh37 (hg19) VCF-style: chr1-241667491-G-A.
Other names: short protein forms A320V.
Identifiers: ClinVar variation 823349 (VCV000823349.9), dbSNP rs202147731, ClinGen allele CA40327914.

ClinVar aggregate classification (germline): Uncertain significance. Review status: criteria provided, multiple submitters, no conflicts (2 of 4 stars). 3 submissions from 3 submitters: Uncertain significance (3). Last evaluated 2026-06-10.

Conditions:
Hereditary cancer-predisposing syndrome. Also called: Tumor predisposition; Neoplastic Syndromes, Hereditary; Hereditary neoplastic syndrome; Hereditary Cancer Syndrome. Identifiers: Orphanet 140162, MedGen C0027672, MeSH D009386, MONDO:0015356.

Allele frequency attached by ClinVar (database versions not stated): TOPMed 0.00001; gnomAD exomes below 0.00001; gnomAD 0.00001.
gnomAD v4.1: 2 of 1,614,088 alleles (0.00012%); highest among the groups gnomAD compares: Non-Finnish European, 0.00017%; no homozygotes.

Submissions (3):

Ambry Genetics
Classification: Uncertain significance for Hereditary cancer-predisposing syndrome. Last evaluated: 2026-06-10. Review status: criteria provided, single submitter. Criteria: Ambry Variant Classification Scheme 2023. Collection method: clinical testing. Allele origin: germline.
Comment: The p.A320V variant (also known as c.959C>T), located in coding exon 7 of the FH gene, results from a C to T substitution at nucleotide position 959. The alanine at codon 320 is replaced by valine, an amino acid with similar properties. This amino acid position is highly conserved in available vertebrate species. In addition, this alteration is predicted to be deleterious by in silico analysis. Based on the available evidence, the clinical significance of this variant remains unclear.

Labcorp Genetics (formerly Invitae), Labcorp
Classification: Uncertain significance. Last evaluated: 2025-12-10. Review status: criteria provided, single submitter. Criteria: Invitae Variant Classification Sherloc (09022015). Collection method: clinical testing. Allele origin: germline.
Comment: This sequence change replaces alanine, which is neutral and non-polar, with valine, which is neutral and non-polar, at codon 320 of the FH protein (p.Ala320Val). This variant is not present in population databases (gnomAD no frequency). This variant has not been reported in the literature in individuals affected with FH-related conditions. ClinVar contains an entry for this variant (Variation ID: 823349). Invitae Evidence Modeling of protein sequence and biophysical properties (such as structural, functional, and spatial information, amino acid conservation, physicochemical variation, residue mobility, and thermodynamic stability) indicates that this missense variant is expected to disrupt FH protein function with a positive predictive value of 80%. In summary, the available evidence is currently insufficient to determine the role of this variant in disease. Therefore, it has been classified as a Variant of Uncertain Significance.

Center for Genomic Medicine, Rigshospitalet, Copenhagen University Hospital
Classification: Uncertain significance. Last evaluated: 2025-03-04. Review status: criteria provided, single submitter. Criteria: ACMG Guidelines, 2015. Collection method: clinical testing. Allele origin: germline.